The following is an entry in ClinVar:

ClinVar aggregate classification (germline): Pathogenic (1 of 4 stars; one submission).

Conditions:
Polycystic kidney disease, adult type (PKD1). Also called: Polycystic Kidney Disease 1, Autosomal Dominant; Polycystic kidney disease 1; Polycystic kidney disease 1, severe; POLYCYSTIC KIDNEY DISEASE, ADULT, TYPE I; Polycystic Kidney, Autosomal Dominant; POLYCYSTIC KIDNEY DISEASE 1 WITH OR WITHOUT POLYCYSTIC LIVER DISEASE. Identifiers: MedGen C3149841, MONDO:0008263, OMIM 173900.

Submission:

Victorian Clinical Genetics Services, Murdoch Childrens Research Institute
Classification: Pathogenic for Polycystic kidney disease, adult type. Last evaluated: 2026-05-07. Review status: criteria provided, single submitter. Criteria: ACMG Guidelines, 2015. Collection method: clinical testing. Allele origin: germline. Affected: yes.
Comment: This variant is classified as Pathogenic. Evidence in support of pathogenic classification: Variant is predicted to cause nonsense-mediated decay (NMD) and loss of protein (premature termination codon is located at least 54 nucleotides upstream of the final exon-exon junction); Variant is absent from gnomAD (v2, v3 and v4); Other NMD predicted variant(s) comparable to the one identified in this case have very strong previous evidence for pathogenicity (ClinVar). Additional information: This variant is heterozygous; This gene is associated with autosomal dominant disease. Polycystic kidney disease 1 (MIM#173900) is predominantly caused by monoallelic variants, with rare reports of biallelic variants causing disease (OMIM); Loss of function is a known mechanism of disease in this gene and is associated with polycystic kidney disease 1 (MIM#173900); Inheritance information for this variant is not currently available in this individual.

NM_001009944.3(PKD1):c.2387_2388del (p.Arg795_Tyr796insTer)

Gene: PKD1 (polycystin 1, transient receptor potential channel interacting; minus strand). Cytogenetic location: 16p13.3.
Variant type: Deletion.
Coding change: c.2387_2388del on transcript NM_001009944.3 (MANE Select); coding-DNA positions 2387 to 2388, 2 bases deleted (AT; older notation c.2387_2388delAT).
Protein change: p.Arg795_Tyr796insTer.
Molecular consequence: nonsense.
Genome position (GRCh38, 1-based): chr16:2,114,635-2,114,636, AT deleted on the plus strand (AT on the coding strand, the reverse complement: PKD1 is on the minus strand); deleting any 2 consecutive bases within chr16:2,114,635-2,114,637 gives the same sequence; the c. name uses the placement nearest the transcript's 3' end. VCF-style (leftmost placement, unchanged base first): chr16-2114634-CAT-C. GRCh37 (hg19) VCF-style: chr16-2164635-CAT-C.
Other names: c.2387_2388del, p.Arg795_Tyr796insTer (NM_000296.4).
Identifiers: ClinVar variation 4879624 (VCV004879624.1).
Genomic context (GRCh38, chr16:2,114,634, plus strand): 5'-CGTCAAAGCTGCAGGAGAGGTTGTGCCTGGACACGCCATTGCCCACCTCTGCCCGGACCT[CAT>C]AGCGCCCAGGCAGCCGCAGTCCAGGGTTGGGCCTCAAGCCCAGCAGCACGGTGAGCTGTT-3'